The following is an entry in ClinVar:

NM_014141.6(CNTNAP2):c.3248-244G>A

Gene: CNTNAP2 (contactin associated protein 2; plus strand). Cytogenetic location: 7q36.1.
Variant type: single nucleotide variant.
Coding change: c.3248-244G>A on transcript NM_014141.6 (MANE Select); 244 bases into the intron before coding-DNA position 3248, G replaced by A.
Molecular consequence: intron variant.
Genome position (GRCh38, 1-based): chr7:148,229,402, G>A. VCF-style: chr7-148229402-G-A. GRCh37 (hg19) VCF-style: chr7-147926494-G-A.
Identifiers: ClinVar variation 670394 (VCV000670394.1), dbSNP rs150633401, ClinGen allele CA168825500.
Genomic context (GRCh38, chr7:148,229,402, plus strand): 5'-GGTGAAACCCCCATCACTACTGAAAATACAAAAATTAGCCAGGCGTGGTGGCAGGTGCCT[G>A]TAATGCCAGCTACTCAGGAAGCTGAGGCAGGAGAATCGCTTGAACCTGGGAGGCAGAGGT-3'

ClinVar aggregate classification (germline): Likely benign (1 of 4 stars; one submission).

Allele frequency attached by ClinVar (database versions not stated): TOPMed 0.00826; gnomAD 0.00892 and 0.00904; 1000 Genomes Project 30x 0.01031; 1000 Genomes Project 0.01098.
gnomAD v4.1: 1,475 of 152,240 alleles (0.97%); highest among the groups gnomAD compares: Middle Eastern, 3.1%; 21 homozygotes.

Submission:

GeneDx
Classification: Likely benign. Last evaluated: 2018-06-16. Review status: criteria provided, single submitter. Criteria: GeneDx Variant Classification (06012015). Collection method: clinical testing. Allele origin: germline. Affected: yes.
Comment: This variant is considered likely benign or benign based on one or more of the following criteria: it is a conservative change, it occurs at a poorly conserved position in the protein, it is predicted to be benign by multiple in silico algorithms, and/or has population frequency not consistent with disease.